The following is an entry in ClinVar:

ClinVar aggregate classification (germline): Uncertain significance. Review status: criteria provided, multiple submitters, no conflicts (2 of 4 stars). 6 submissions from 6 submitters: Uncertain significance (5). 1 of the submissions does not count toward it. Last evaluated 2025-02-18.

Conditions:
Charcot-Marie-Tooth disease type 4D. Also called: CHARCOT-MARIE-TOOTH DISEASE, DEMYELINATING, AUTOSOMAL RECESSIVE, TYPE 4D; NEUROPATHY, HEREDITARY MOTOR AND SENSORY, LOM TYPE; Charcot-Marie-Tooth Neuropathy Type 4D; CHARCOT-MARIE-TOOTH DISEASE, DEMYELINATING, TYPE 4D. Identifiers: Orphanet 99950, MedGen C1832334, MONDO:0011085, OMIM 601455.
Charcot-Marie-Tooth disease. Also called: Charcot-Marie-Tooth Neuropathy; Charcot-Marie-Tooth Hereditary Neuropathy. Identifiers: Orphanet 166, MedGen C0007959, MONDO:0015626.
Charcot-Marie-Tooth disease type 4. Also called: Charcot-Marie-Tooth, Type 4; Charcot-Marie-Tooth disease, type IV. Identifiers: Orphanet 64749, MedGen C4082197, MONDO:0018995.
Inborn genetic diseases. Identifiers: MedGen C0950123, MeSH D030342.

Allele frequency attached by ClinVar (database versions not stated): TOPMed 0.00006; ESP Exome Variant Server 0.00016.
gnomAD v4.1: 81 of 1,576,934 alleles (0.0051%); highest among the groups gnomAD compares: Admixed American, 0.0056%; no homozygotes.

Submissions (6):

GeneDx
Classification: Uncertain significance. Last evaluated: 2025-02-18. Review status: criteria provided, single submitter. Criteria: GeneDx Variant Classification Process June 2021. Collection method: clinical testing. Allele origin: germline. Affected: yes.
Comment: Reported previously as a variant of uncertain significance in patients with suspected Charcot-Marie-Tooth disease; however, no segregation or further clinical information was provided (PMID: 32376792); In silico analysis indicates that this missense variant does not alter protein structure/function; This variant is associated with the following publications: (PMID: 32376792)

Fulgent Genetics
Classification: Uncertain significance for Charcot-Marie-Tooth disease type 4D. Last evaluated: 2024-05-31. Review status: criteria provided, single submitter. Criteria: ACMG Guidelines, 2015. Collection method: clinical testing. Allele origin: germline.

Ambry Genetics
Classification: Uncertain significance for Inborn genetic diseases. Last evaluated: 2022-09-30. Review status: criteria provided, single submitter. Criteria: Ambry Variant Classification Scheme 2023. Collection method: clinical testing. Allele origin: germline.
Comment: The p.A370V variant (also known as c.1109C>T), located in coding exon 15 of the NDRG1 gene, results from a C to T substitution at nucleotide position 1109. The alanine at codon 370 is replaced by valine, an amino acid with similar properties. This amino acid position is not well conserved in available vertebrate species. In addition, this alteration is predicted to be tolerated by in silico analysis. Since supporting evidence is limited at this time, the clinical significance of this alteration remains unclear.

Labcorp Genetics (formerly Invitae), Labcorp
Classification: Uncertain significance for Charcot-Marie-Tooth disease type 4. Last evaluated: 2022-08-16. Review status: criteria provided, single submitter. Criteria: Invitae Variant Classification Sherloc (09022015). Collection method: clinical testing. Allele origin: germline.
Comment: This sequence change replaces alanine, which is neutral and non-polar, with valine, which is neutral and non-polar, at codon 370 of the NDRG1 protein (p.Ala370Val). This variant is present in population databases (rs367925853, gnomAD 0.1%). This missense change has been observed in individual(s) with clinical features of Charcot-Marie-Tooth disease (PMID: 32376792). ClinVar contains an entry for this variant (Variation ID: 543428). Algorithms developed to predict the effect of missense changes on protein structure and function (SIFT, PolyPhen-2, Align-GVGD) all suggest that this variant is likely to be tolerated. In summary, the available evidence is currently insufficient to determine the role of this variant in disease. Therefore, it has been classified as a Variant of Uncertain Significance.

Molecular Genetics Laboratory, London Health Sciences Centre
Classification: Uncertain significance for Charcot-Marie-Tooth disease. Review status: criteria provided, single submitter. Criteria: ACMG Guidelines, 2015. Collection method: clinical testing. Allele origin: germline. Affected: yes.

Natera, Inc.
Classification: Uncertain significance for Charcot-Marie-Tooth disease type 4D. Last evaluated: 2020-01-29. Review status: no assertion criteria provided. Collection method: clinical testing. Allele origin: germline. Not counted in ClinVar's aggregate classification.

Literature cited by the submitters: PubMed 32376792 (cited by Labcorp Genetics (formerly Invitae), Labcorp).

NM_006096.4(NDRG1):c.1109C>T (p.Ala370Val)

Gene: NDRG1 (N-myc downstream regulated 1; minus strand). Cytogenetic location: 8q24.22.
Variant type: single nucleotide variant.
Coding change: c.1109C>T on transcript NM_006096.4 (MANE Select); coding-DNA position 1109, C replaced by T.
Protein change: p.Ala370Val; replaces alanine 370 with valine.
Molecular consequence: missense variant.
Genome position (GRCh38, 1-based): chr8:133,238,954, G>A on the plus strand (C>T on the coding strand, the complement: NDRG1 is on the minus strand). VCF-style: chr8-133238954-G-A. GRCh37 (hg19) VCF-style: chr8-134251197-G-A.
Other names: c.1109C>T, p.Ala370Val (NM_001135242.2, NM_001374845.1, NM_001374846.1); c.911C>T, p.Ala304Val (NM_001258432.2, NM_001374847.1); c.866C>T, p.Ala289Val (NM_001258433.2); c.1160C>T, p.Ala387Val (NM_001374844.1); short protein forms A370V, A289V, A304V, A387V.
Identifiers: ClinVar variation 543428 (VCV000543428.11), dbSNP rs367925853, ClinGen allele CA4886417.